The following is an entry in ClinVar:

NM_052845.4(MMAB):c.12C>A (p.Cys4Ter)

Genes: MMAB (metabolism of cobalamin associated B; minus strand), MVK (mevalonate kinase; plus strand). Cytogenetic location: 12q24.11.
Variant type: single nucleotide variant.
Coding change: c.12C>A on transcript NM_052845.4 (MANE Select); coding-DNA position 12, C replaced by A.
Protein change: p.Cys4Ter; replaces cysteine 4 with a stop codon.
Molecular consequence: nonsense. On other transcripts: non-coding transcript variant (1).
Genome position (GRCh38, 1-based): chr12:109,573,469, G>T on the plus strand (C>A on the coding strand, the complement: MMAB is on the minus strand). VCF-style: chr12-109573469-G-T. GRCh37 (hg19) VCF-style: chr12-110011274-G-T.
Other names: short protein forms C4*.
Identifiers: ClinVar variation 550793 (VCV000550793.17), dbSNP rs1481415459, ClinGen allele CA386641620.
Genomic context (GRCh38, chr12:109,573,469, plus strand): 5'-GGCGCCGAAGCACCCGCGCAGGCCAAGACGGCTCCCCAGGCCAAGACGGCTCCCCAGGCC[G>T]CACACAGCCATGAGCCAGGCTGCTTGACGGGACCTGACCCCGCCAGGTTCCCGTCCAGTC-3'

ClinVar aggregate classification (germline): Pathogenic. Review status: criteria provided, multiple submitters, no conflicts (2 of 4 stars). 7 submissions from 7 submitters: Pathogenic (4). 3 of the submissions do not count toward it. Last evaluated 2025-02-03.

Conditions:
Methylmalonic acidemia (MMA). Also called: Isolated Methylmalonic Acidemia. Identifiers: MedGen C0268583, MeSH C537358, MONDO:0002012, HP:0002912.
Methylmalonic aciduria, cblB type (MACB). Also called: Vitamin B12-responsive methylmalonic acidemia type cblB; METHYLMALONIC ACIDURIA, VITAMIN B12-RESPONSIVE, DUE TO DEFECT IN SYNTHESIS OF ADENOSYLCOBALAMIN, cblB TYPE; Methylmalonic acidemia cblB type. Identifiers: Orphanet 28, Orphanet 79311, MedGen C1855102, MONDO:0009614, OMIM 251110.

Allele frequency attached by ClinVar (database versions not stated): gnomAD 0.00002; TOPMed 0.00002.
gnomAD v4.1: 30 of 1,603,866 alleles (0.0019%); highest among the groups gnomAD compares: Non-Finnish European, 0.0025%; no homozygotes.

Submissions (7):

Women's Health and Genetics/Laboratory Corporation of America, LabCorp
Classification: Pathogenic for Methylmalonic acidemia. Last evaluated: 2025-02-03. Review status: criteria provided, single submitter. Criteria: LabCorp Variant Classification Summary - May 2015. Collection method: clinical testing. Allele origin: germline.
Comment: Variant summary: MMAB c.12C>A (p.Cys4X) results in a premature termination codon, predicted to cause a truncation of the encoded protein or absence of the protein due to nonsense mediated decay, which are commonly known mechanisms for disease. The variant allele was found at a frequency of 1.9e-05 in 1603866 control chromosomes. This frequency is not significantly higher than estimated for a pathogenic variant in MMAB causing Methylmalonic Acidemia (1.9e-05 vs 0.0017), allowing no conclusion about variant significance. c.12C>A has been reported in the literature in individuals affected with methylmalonic acidemia (e.g., Illson_2013). To our knowledge, no experimental evidence demonstrating an impact on protein function has been reported. The following publication has been ascertained in the context of this evaluation (PMID: 23707710). ClinVar contains an entry for this variant (Variation ID: 550793). Based on the evidence outlined above, the variant was classified as pathogenic.

Baylor Genetics
Classification: Pathogenic for Methylmalonic aciduria, cblB type. Last evaluated: 2024-03-19. Review status: criteria provided, single submitter. Criteria: ACMG Guidelines, 2015. Collection method: clinical testing. Allele origin: unknown.

Labcorp Genetics (formerly Invitae), Labcorp
Classification: Pathogenic for Methylmalonic aciduria, cblB type. Last evaluated: 2023-12-13. Review status: criteria provided, single submitter. Criteria: Invitae Variant Classification Sherloc (09022015). Collection method: clinical testing. Allele origin: germline.
Comment: This sequence change creates a premature translational stop signal (p.Cys4*) in the MMAB gene. It is expected to result in an absent or disrupted protein product. Loss-of-function variants in MMAB are known to be pathogenic (PMID: 15781192, 16410054). The frequency data for this variant in the population databases is considered unreliable, as metrics indicate poor data quality at this position in the gnomAD database. This premature translational stop signal has been observed in individual(s) with methylmalonic aciduria (PMID: 23707710). ClinVar contains an entry for this variant (Variation ID: 550793). For these reasons, this variant has been classified as Pathogenic.

GeneDx
Classification: Pathogenic. Last evaluated: 2021-05-12. Review status: criteria provided, single submitter. Criteria: GeneDx Variant Classification Process June 2021. Collection method: clinical testing. Allele origin: germline. Affected: yes.
Comment: Nonsense variant predicted to result in protein truncation or nonsense mediated decay in a gene for which loss-of-function is a known mechanism of disease; Not observed at a significant frequency in large population cohorts (Lek et al., 2016); This variant is associated with the following publications: (PMID: 28468868, 23707710)

Natera, Inc.
Classification: Pathogenic for Methylmalonic aciduria cblB type. Last evaluated: 2021-08-26. Review status: no assertion criteria provided. Collection method: clinical testing. Allele origin: germline. Not counted in ClinVar's aggregate classification.

Baumgartner lab, University Children's Hospital Zurich
Classification: Pathogenic for Methylmalonic aciduria, cblB type. Last evaluated: 2021-06-01. Review status: no assertion criteria provided. Collection method: clinical testing. Allele origin: germline. Affected: yes. Not counted in ClinVar's aggregate classification.

Counsyl
Classification: Likely pathogenic for Methylmalonic aciduria, cblB type. Last evaluated: 2017-02-17. Review status: no assertion criteria provided. Collection method: clinical testing. Allele origin: unknown. Not counted in ClinVar's aggregate classification.

Literature cited by the submitters: PubMed 23707710 (cited by 3 submitters); PubMed 15781192 (cited by Labcorp Genetics (formerly Invitae), Labcorp); PubMed 16410054 (cited by Labcorp Genetics (formerly Invitae), Labcorp).